The following is an entry in ClinVar:

NM_004333.6(BRAF):c.1509_1517dup (p.Arg506_Lys507insValLeuArg)

Gene: BRAF (B-Raf proto-oncogene, serine/threonine kinase; minus strand). Cytogenetic location: 7q34.
Variant type: Duplication.
Coding change: c.1509_1517dup on transcript NM_004333.6 (MANE Select); coding-DNA positions 1509 to 1517, 9 bases duplicated (AGTACTCAG; older notation c.1509_1517dupAGTACTCAG).
Protein change: p.Arg506_Lys507insValLeuArg.
Genome position (GRCh38, 1-based): chr7:140,777,991-140,777,999, CTGAGTACT duplicated on the plus strand (AGTACTCAG on the coding strand, the reverse complement: BRAF is on the minus strand); duplicating any 9 consecutive bases within chr7:140,777,991-140,778,000 gives the same sequence; the c. name uses the placement nearest the transcript's 3' end. VCF-style (leftmost placement, unchanged base first): chr7-140777990-C-CCTGAGTACT. GRCh37 (hg19) VCF-style: chr7-140477790-C-CCTGAGTACT.
Other names: c.1509_1517dup, p.Arg506_Lys507insValLeuArg (NM_001354609.2, NM_001378468.1, NM_001378474.1); c.1629_1637dup, p.Arg546_Lys547insValLeuArg (NM_001374244.1, NM_001374258.1); c.1518_1526dup, p.Arg509_Lys510insValLeuArg (NM_001378467.1); c.1443_1451dup, p.Arg484_Lys485insValLeuArg (NM_001378469.1); c.1407_1415dup, p.Arg472_Lys473insValLeuArg (NM_001378470.1); c.1398_1406dup, p.Arg469_Lys470insValLeuArg (NM_001378471.1); c.1353_1361dup, p.Arg454_Lys455insValLeuArg (NM_001378472.1, NM_001378473.1); c.1245_1253dup, p.Arg418_Lys419insValLeuArg (NM_001378475.1).
Identifiers: ClinVar variation 4530167 (VCV004530167.1).

ClinVar aggregate classification (somatic clinical impact): Tier I - Strong. Review status: criteria provided, single submitter (1 of 4 stars). 2 submissions from 1 submitter. Last evaluated 2024-10-23.

Conditions:
Pilocytic astrocytoma. Also called: Pilocytic astrocytoma, somatic. Identifiers: Orphanet 251612, MedGen C0334583, MONDO:0016691, HP:0033680.
Ganglioglioma. Also called: Mixed cell tumors containing both neural ganglionic cells and neural glial cell components. Identifiers: Orphanet 251949, MedGen C0206716, MONDO:0016733, HP:0033664.

Submissions (2):

Institute for Genomic Medicine (IGM) Clinical Laboratory, Nationwide Children's Hospital
Classification: Tier I - Strong for Pilocytic astrocytoma. Assertion type: diagnostic. Clinical significance: supports diagnosis. Last evaluated: 2024-10-23. Review status: criteria provided, single submitter. Criteria: AMP/ASCO/CAP Guidelines, 2017. Collection method: clinical testing. Allele origin: somatic. Affected: yes.
Comment: Variant has Tier I (strong) clinical significance as a diagnostic inclusion criterion in pilocytic astrocytoma, based on the following evidence: 1) Documented in one or more cancer databases (e.g., St. Jude Pecan, COSMIC, CIViC, OncoKB). 2) Appears in one or more well-established professional guidelines (e.g., World Health Organization [WHO]; National Comprehensive Cancer Network [NCCN]) as providing diagnostic, prognostic, or therapeutic information. 3) Diagnostic for a specific tumor type/classification according to professional guidelines (Evidence Level A).

Institute for Genomic Medicine (IGM) Clinical Laboratory, Nationwide Children's Hospital
Classification: Tier I - Strong for Ganglioglioma. Assertion type: diagnostic. Clinical significance: supports diagnosis. Last evaluated: 2023-02-28. Review status: criteria provided, single submitter. Criteria: AMP/ASCO/CAP Guidelines, 2017. Collection method: clinical testing. Allele origin: somatic. Affected: yes.
Comment: Variant has Tier I (strong) clinical significance as a diagnostic inclusion criterion in ganglioglioma, based on the following evidence: 1) Documented in one or more cancer databases (e.g., St. Jude Pecan, COSMIC, CIViC, OncoKB). 2) Appears in one or more well-established professional guidelines (e.g., World Health Organization [WHO]; National Comprehensive Cancer Network [NCCN]) as providing diagnostic, prognostic, or therapeutic information. 3) Information in the literature supports potential biologic effect of variant (PMID: 30575814). 4) Diagnostic for a specific tumor type/classification according to professional guidelines (Evidence Level A; PMIDs: 29880043, 32289278, 20156809, 21274720, 23583981).

Literature cited by the submitters: PubMed 30575814; PubMed 29880043; PubMed 32289278; PubMed 20156809; PubMed 21274720; PubMed 23583981.